The following is an entry in ClinVar:

ClinVar aggregate classification (germline): Pathogenic (1 of 4 stars; one submission).

Submission:

Labcorp Genetics (formerly Invitae), Labcorp
Classification: Pathogenic. Last evaluated: 2025-09-11. Review status: criteria provided, single submitter. Criteria: Invitae Variant Classification Sherloc (09022015). Collection method: clinical testing. Allele origin: germline.
Comment: This sequence change creates a premature translational stop signal (p.Gln78Argfs*31) in the SOX10 gene. It is expected to result in an absent or disrupted protein product. Loss-of-function variants in SOX10 are known to be pathogenic (PMID: 9462749, 15004559, 21965087, 33442024). This variant is not present in population databases (gnomAD no frequency). This variant has not been reported in the literature in individuals affected with SOX10-related conditions. For these reasons, this variant has been classified as Pathogenic.

Literature cited by the submitters: PubMed 9462749; PubMed 15004559; PubMed 21965087; PubMed 33442024.

NM_006941.4(SOX10):c.233del (p.Gln78fs)

Genes: POLR2F (RNA polymerase II, I and III subunit F; plus strand), SOX10 (SRY-box transcription factor 10; minus strand). Cytogenetic location: 22q13.1.
Variant type: Deletion.
Coding change: c.233del on transcript NM_006941.4 (MANE Select); coding-DNA position 233, one base deleted (A; older notation c.233delA).
Protein change: p.Gln78fs; shifts the reading frame from glutamine 78.
Molecular consequence: frameshift variant. On other transcripts: intron variant (3).
Genome position (GRCh38, 1-based): chr22:37,983,552, T deleted on the plus strand (A on the coding strand, the reverse complement: SOX10 is on the minus strand). VCF-style (leftmost placement, unchanged base first): chr22-37983551-CT-C. GRCh37 (hg19) VCF-style: chr22-38379558-CT-C.
Other names: c.*38+11242del (NM_001363825.1); c.294-2602del (NM_001301130.2); c.293+16382del (NM_001301131.2); short protein forms Q78fs.
Identifiers: ClinVar variation 4726569 (VCV004726569.1).